The following is an entry in ClinVar:

ClinVar aggregate classification (germline): Uncertain significance (1 of 4 stars; one submission).

Submission:

Ambry Genetics
Classification: Uncertain significance. Last evaluated: 2021-09-19. Review status: criteria provided, single submitter. Criteria: Ambry Variant Classification Scheme 2023. Collection method: clinical testing. Allele origin: germline.
Comment: The p.L3F variant (also known as c.7C>T), located in coding exon 1 of the POLQ gene, results from a C to T substitution at nucleotide position 7. The leucine at codon 3 is replaced by phenylalanine, an amino acid with highly similar properties. This amino acid position is conserved. In addition, this alteration is predicted to be tolerated by in silico analysis. Since supporting evidence is limited at this time, the clinical significance of this alteration remains unclear.

NM_199420.4(POLQ):c.7C>T (p.Leu3Phe)

Genes: POLQ (DNA polymerase theta; minus strand), LOC112872292 (Sharpr-MPRA regulatory region 30; plus strand). Cytogenetic location: 3q13.33.
Variant type: single nucleotide variant.
Coding change: c.7C>T on transcript NM_199420.4 (MANE Select); coding-DNA position 7, C replaced by T.
Protein change: p.Leu3Phe; replaces leucine 3 with phenylalanine.
Molecular consequence: missense variant.
Genome position (GRCh38, 1-based): chr3:121,545,871, G>A on the plus strand (C>T on the coding strand, the complement: POLQ is on the minus strand). VCF-style: chr3-121545871-G-A. GRCh37 (hg19) VCF-style: chr3-121264718-G-A.
Other names: short protein forms L3F.
Identifiers: ClinVar variation 1761591 (VCV001761591.2), dbSNP rs1021459056, ClinGen allele CA354098055.
Genomic context (GRCh38, chr3:121,545,871, plus strand): 5'-TTCCCGAGAACGAATCTGAGCCTGATTCTGAACGCCGCCGTTTCCCACTCCGACGCAGAA[G>A]ATTCATGGCAAACTCTTCTCGGCCGATCAGGGCAAGCCACAGTCCCAGCGTCCTCCCTCT-3'
Protein context (NP_955452.3, residues 1-13): MN[Leu3Phe]LRRSGKRRRS